The following is an entry in ClinVar:

ClinVar aggregate classification (germline): Pathogenic (1 of 4 stars; one submission).

Conditions:
Thrombophilia due to protein S deficiency, autosomal recessive (THPH6). Identifiers: Orphanet 743, MedGen C3281092, MONDO:0013791, OMIM 614514. Disease mechanism: loss of function.

Submission:

Labcorp Genetics (formerly Invitae), Labcorp
Classification: Pathogenic for Thrombophilia due to protein S deficiency, autosomal recessive. Last evaluated: 2024-01-31. Review status: criteria provided, single submitter. Criteria: Invitae Variant Classification Sherloc (09022015). Collection method: clinical testing. Allele origin: germline.
Comment: This sequence change creates a premature translational stop signal (p.Phe323Glyfs*6) in the PROS1 gene. It is expected to result in an absent or disrupted protein product. Loss-of-function variants in PROS1 are known to be pathogenic (PMID: 9241758). Information on the frequency of this variant in the gnomAD database is not available, as this variant may be reported differently in the database. This premature translational stop signal has been observed in individual(s) with protein S deficiency and venous thromboembolism (PMID: 16885060, 18435454, 24014240). It has also been observed to segregate with disease in related individuals. This variant is also known as c.1113T>GG. For these reasons, this variant has been classified as Pathogenic.

Literature cited by the submitters: PubMed 9241758; PubMed 16885060; PubMed 18435454; PubMed 24014240.

NM_000313.4(PROS1):c.967delinsGG (p.Phe323fs)

Gene: PROS1 (protein S; minus strand). Cytogenetic location: 3q11.1.
Variant type: Indel.
Coding change: c.967delinsGG on transcript NM_000313.4 (MANE Select); coding-DNA position 967, T replaced by GG.
Protein change: p.Phe323fs; shifts the reading frame from phenylalanine 323.
Molecular consequence: frameshift variant.
Genome position (GRCh38, 1-based): chr3:93,893,121, A replaced by CC on the plus strand (T replaced by GG on the coding strand, the reverse complement: PROS1 is on the minus strand). VCF-style: chr3-93893121-A-CC. GRCh37 (hg19) VCF-style: chr3-93611965-A-CC.
Other names: c.1063delinsGG, p.Phe355fs (NM_001314077.2); c.967delTinsGG (NM_000313.3); short protein forms F355fs, F323fs.
Identifiers: ClinVar variation 216868 (VCV000216868.6), dbSNP rs863224838, ClinGen allele CA337130.
Genomic context (GRCh38, chr3:93,893,121, plus strand): 5'-ATTCTGCGTACAGTATCACGCCTTCTGAATCATATGTCCGGAAATCAAATTCTGCTGAAA[A>CC]TCTAAACAATGGACAAAGAGAGATCCTTAAGAGTAAGAAATACAGAAAGCTCAATGCATT-3'